The following is an entry in ClinVar:

NM_001394062.1(MACF1):c.13780A>C (p.Met4594Leu)

Gene: MACF1 (microtubule actin crosslinking factor 1; plus strand). Cytogenetic location: 1p34.3.
Variant type: single nucleotide variant.
Coding change: c.13780A>C on transcript NM_001394062.1 (MANE Select); coding-DNA position 13780, A replaced by C.
Protein change: p.Met4594Leu; replaces methionine 4594 with leucine.
Molecular consequence: missense variant.
Genome position (GRCh38, 1-based): chr1:39,382,084, A>C. VCF-style: chr1-39382084-A-C. GRCh37 (hg19) VCF-style: chr1-39847756-A-C.
Other names: c.7594A>C, p.Met2532Leu (NM_012090.5); short protein forms M2532L, M4594L.
Identifiers: ClinVar variation 1184994 (VCV001184994.3), dbSNP rs2148558317, ClinGen allele CA339832792.

ClinVar aggregate classification (germline): Uncertain significance (1 of 4 stars; one submission).

Conditions:
Lissencephaly 9 with complex brainstem malformation. Identifiers: Orphanet 572013, MedGen C5193029, MONDO:0032677, OMIM 618325.

Submission:

Institute of Human Genetics, University of Goettingen
Classification: Uncertain significance for Lissencephaly 9 with complex brainstem malformation. Last evaluated: 2020-07-08. Review status: criteria provided, single submitter. Criteria: ACMG Guidelines, 2015. Collection method: clinical testing. Allele origin: de novo. Inheritance: Autosomal recessive inheritance. Affected: yes. Observed: 1 variant allele, 1 heterozygote.
Comment: The variant c.7594A>C (p.(Met2532Leu)) in exon 50 of the MACF1-gene is not found in the gnomAD database. This variant has a pathogenic computational verdict based on 7 pathogenic predictions from BayesDel_addAF, DEOGEN2, EIGEN, FATHMM-MKL, LIST-S2, MutationTaster and SIFT vs 4 benign predictions from DANN, M-CAP, MVP and PrimateAI. Thus, we classify this variant as a Variant of uncertain significance. ACMG criteria used for classification: PM2, PP2, PP3